The following is an entry in ClinVar:

NM_201631.4(TGM5):c.654C>T (p.Pro218=)

Gene: TGM5 (transglutaminase 5; minus strand). Cytogenetic location: 15q15.2.
Variant type: single nucleotide variant.
Coding change: c.654C>T on transcript NM_201631.4 (MANE Select); coding-DNA position 654, C replaced by T.
Protein change: p.Pro218=; no amino-acid change (proline 218 retained).
Molecular consequence: synonymous variant.
Genome position (GRCh38, 1-based): chr15:43,253,536, G>A on the plus strand (C>T on the coding strand, the complement: TGM5 is on the minus strand). VCF-style: chr15-43253536-G-A. GRCh37 (hg19) VCF-style: chr15-43545734-G-A.
Other names: c.408C>T, p.Pro136= (NM_004245.4).
Identifiers: ClinVar variation 316061 (VCV000316061.12), dbSNP rs77256087, ClinGen allele CA7521271.

ClinVar aggregate classification (germline): Benign. Review status: criteria provided, multiple submitters, no conflicts (2 of 4 stars). 4 submissions from 4 submitters: Benign (4). Last evaluated 2021-05-06.

Conditions:
Acral peeling skin syndrome. Also called: Peeling skin syndrome 2. Identifiers: Orphanet 263534, MedGen C1853354, MONDO:0012345, OMIM 609796.

Allele frequency attached by ClinVar (database versions not stated): ExAC 0.00865; 1000 Genomes Project 0.02396; 1000 Genomes Project 30x 0.02436; gnomAD 0.02546 and 0.02739; ESP Exome Variant Server 0.02715; TOPMed 0.02792.
gnomAD v4.1: 8,737 of 1,613,290 alleles (0.54%); highest among the groups gnomAD compares: African/African-American, 8.4%; 307 homozygotes.

Submissions (4):

GeneDx
Classification: Benign. Last evaluated: 2021-05-06. Review status: criteria provided, single submitter. Criteria: GeneDx Variant Classification Process June 2021. Collection method: clinical testing. Allele origin: germline. Affected: yes.

Labcorp Genetics (formerly Invitae), Labcorp
Classification: Benign. Last evaluated: 2019-12-31. Review status: criteria provided, single submitter. Criteria: Invitae Variant Classification Sherloc (09022015). Collection method: clinical testing. Allele origin: germline.

Illumina Laboratory Services, Illumina
Classification: Benign for Acral peeling skin syndrome. Last evaluated: 2018-01-12. Review status: criteria provided, single submitter. Criteria: ICSL Variant Classification Criteria 13 December 2019. Collection method: clinical testing. Allele origin: germline.
Comment: This variant was observed in the ICSL laboratory as part of a predisposition screen in an ostensibly healthy population. It had not been previously curated by ICSL or reported in the Human Gene Mutation Database (HGMD: prior to June 1st, 2018), and was therefore a candidate for classification through an automated scoring system. Utilizing variant allele frequency, disease prevalence and penetrance estimates, and inheritance mode, an automated score was calculated to assess if this variant is too frequent to cause the disease. Based on the score and internal cut-off values, a variant classified as benign is not then subjected to further curation. The score for this variant resulted in a classification of benign for this disease.

Breakthrough Genomics
Classification: Benign. Review status: criteria provided, single submitter. Criteria: ACMG Guidelines, 2015. Collection method: not provided. Allele origin: germline. Inheritance: Autosomal recessive inheritance. Affected: yes.